The following is an entry in ClinVar:

ClinVar aggregate classification (germline): Conflicting classifications of pathogenicity. Review status: criteria provided, conflicting classifications (1 of 4 stars). 2 submissions from 2 submitters: Uncertain significance (1); Likely benign (1). Last evaluated 2024-01-04.

Allele frequency attached by ClinVar (database versions not stated): TOPMed 0.00001.
gnomAD v4.1: 9 of 1,612,864 alleles (0.00056%); highest among the groups gnomAD compares: Non-Finnish European, 0.00059%; no homozygotes.

Submissions (2):

Labcorp Genetics (formerly Invitae), Labcorp
Classification: Likely benign. Last evaluated: 2024-01-04. Review status: criteria provided, single submitter. Criteria: Invitae Variant Classification Sherloc (09022015). Collection method: clinical testing. Allele origin: germline.

GeneDx
Classification: Uncertain significance. Last evaluated: 2022-08-23. Review status: criteria provided, single submitter. Criteria: GeneDx Variant Classification Process June 2021. Collection method: clinical testing. Allele origin: germline. Affected: yes.
Comment: Not observed at significant frequency in large population cohorts (gnomAD); In silico analysis supports that this variant does not alter splicing; Has not been previously published as pathogenic or benign to our knowledge

NM_001384140.1(PCDH15):c.372A>G (p.Lys124=)

Gene: PCDH15 (protocadherin related 15; minus strand). Cytogenetic location: 10q21.1.
Variant type: single nucleotide variant.
Coding change: c.372A>G on transcript NM_001384140.1 (MANE Select); coding-DNA position 372, A replaced by G.
Protein change: p.Lys124=; no amino-acid change (lysine 124 retained).
Molecular consequence: synonymous variant.
Genome position (GRCh38, 1-based): chr10:54,369,222, T>C on the plus strand (A>G on the coding strand, the complement: PCDH15 is on the minus strand). VCF-style: chr10-54369222-T-C. GRCh37 (hg19) VCF-style: chr10-56128982-T-C.
Other names: c.372A>G, p.Lys124= (NM_001354429.2, NM_001354430.2, NM_033056.4 and 8 more transcripts); c.387A>G, p.Lys129= (NM_001142763.2, NM_001142769.4, NM_001142771.2); c.306A>G, p.Lys102= (NM_001142768.2, NM_001142773.2, NM_001354404.2).
Identifiers: ClinVar variation 2430760 (VCV002430760.4), dbSNP rs753916542, ClinGen allele CA469525614.